The following is an entry in ClinVar:

NM_000091.5(COL4A3):c.3656G>A (p.Gly1219Asp)

Genes: COL4A3 (collagen type IV alpha 3 chain; plus strand), MFF-DT (MFF divergent transcript; minus strand). Cytogenetic location: 2q36.3.
Variant type: single nucleotide variant.
Coding change: c.3656G>A on transcript NM_000091.5 (MANE Select); coding-DNA position 3656, G replaced by A.
Protein change: p.Gly1219Asp; replaces glycine 1219 with aspartic acid.
Molecular consequence: missense variant.
Genome position (GRCh38, 1-based): chr2:227,297,764, G>A. VCF-style: chr2-227297764-G-A. GRCh37 (hg19) VCF-style: chr2-228162480-G-A.
Other names: short protein forms G1219D.
Identifiers: ClinVar variation 4800369 (VCV004800369.1).

ClinVar aggregate classification (germline): Uncertain significance (1 of 4 stars; one submission).

gnomAD v4.1: 1 of 1,597,270 alleles (0.000063%); highest among the groups gnomAD compares: Non-Finnish European, 0.000085%; no homozygotes.

Submission:

Labcorp Genetics (formerly Invitae), Labcorp
Classification: Uncertain significance. Last evaluated: 2026-01-05. Review status: criteria provided, single submitter. Criteria: Invitae Variant Classification Sherloc (09022015). Collection method: clinical testing. Allele origin: germline.
Comment: This sequence change replaces glycine, which is neutral and non-polar, with aspartic acid, which is acidic and polar, at codon 1219 of the COL4A3 protein (p.Gly1219Asp). This variant is not present in population databases (gnomAD no frequency). This missense change has been observed in individual(s) with COL4A3-related conditions (internal data). Invitae Evidence Modeling of protein sequence and biophysical properties (such as structural, functional, and spatial information, amino acid conservation, physicochemical variation, residue mobility, and thermodynamic stability) indicates that this missense variant is expected to disrupt COL4A3 protein function with a positive predictive value of 80%. This variant disrupts the p.Gly1219 amino acid residue in COL4A3. Other variant(s) that disrupt this residue have been determined to be pathogenic (PMID: 15086897, 35090027). This suggests that this residue is clinically significant, and that variants that disrupt this residue are likely to be disease-causing. In summary, the available evidence is currently insufficient to determine the role of this variant in disease. Therefore, it has been classified as a Variant of Uncertain Significance.

Literature cited by the submitters: PubMed 15086897; PubMed 35090027.